The following is an entry in ClinVar:

NM_014244.5(ADAMTS2):c.2407C>G (p.Arg803Gly)

Gene: ADAMTS2 (ADAM metallopeptidase with thrombospondin type 1 motif 2; minus strand). Cytogenetic location: 5q35.3.
Variant type: single nucleotide variant.
Coding change: c.2407C>G on transcript NM_014244.5 (MANE Select); coding-DNA position 2407, C replaced by G.
Protein change: p.Arg803Gly; replaces arginine 803 with glycine.
Molecular consequence: missense variant.
Genome position (GRCh38, 1-based): chr5:179,129,982, G>C on the plus strand (C>G on the coding strand, the complement: ADAMTS2 is on the minus strand). VCF-style: chr5-179129982-G-C. GRCh37 (hg19) VCF-style: chr5-178556983-G-C.
Other names: short protein forms R803G.
Identifiers: ClinVar variation 1974868 (VCV001974868.2), dbSNP rs767768165, ClinGen allele CA362423931.
Genomic context (GRCh38, chr5:179,129,982, plus strand): 5'-TTGGACTCACCAGAACGGTGATGGTGCCGTGGAGGGGGCCCATGGTCTGCAGCGTCTCCC[G>C]GCCGTCCTCGTCTCTGTACTCCCACTCCACGCCCATGGCAATGAAGGTTTTGGAACTGGC-3'
Protein context (NP_055059.2, residues 793-813): VEWEYRDEDG[Arg803Gly]ETLQTMGPLH

ClinVar aggregate classification (germline): Uncertain significance (1 of 4 stars; one submission).

Conditions:
Ehlers-Danlos syndrome, dermatosparaxis type. Also called: Dermatosparaxis; EDS VIIC; Ehlers-Danlos syndrome, type VII, autosomal recessive. Identifiers: Orphanet 1901, MedGen C2700425, MONDO:0009161, OMIM 225410.

gnomAD v4.1: 3 of 1,614,026 alleles (0.00019%); highest among the groups gnomAD compares: Non-Finnish European, 0.00025%; no homozygotes.

Submission:

Labcorp Genetics (formerly Invitae), Labcorp
Classification: Uncertain significance for Ehlers-Danlos syndrome, dermatosparaxis type. Last evaluated: 2022-02-23. Review status: criteria provided, single submitter. Criteria: Invitae Variant Classification Sherloc (09022015). Collection method: clinical testing. Allele origin: germline.
Comment: This sequence change replaces arginine, which is basic and polar, with glycine, which is neutral and non-polar, at codon 803 of the ADAMTS2 protein (p.Arg803Gly). This variant is not present in population databases (gnomAD no frequency). This variant has not been reported in the literature in individuals affected with ADAMTS2-related conditions. Algorithms developed to predict the effect of missense changes on protein structure and function (SIFT, PolyPhen-2, Align-GVGD) all suggest that this variant is likely to be disruptive. In summary, the available evidence is currently insufficient to determine the role of this variant in disease. Therefore, it has been classified as a Variant of Uncertain Significance.